The following is an entry in ClinVar:

ClinVar aggregate classification (germline): Pathogenic (1 of 4 stars; one submission).

Conditions:
Autoimmune lymphoproliferative syndrome type 2B. Also called: AUTOIMMUNE LYMPHOPROLIFERATIVE SYNDROME, TYPE IIB. Identifiers: Orphanet 275517, MedGen C1846545, MONDO:0011804, OMIM 607271.

Submission:

Labcorp Genetics (formerly Invitae), Labcorp
Classification: Pathogenic for Autoimmune lymphoproliferative syndrome type 2B. Last evaluated: 2022-05-24. Review status: criteria provided, single submitter. Criteria: Invitae Variant Classification Sherloc (09022015). Collection method: clinical testing. Allele origin: germline.
Comment: For these reasons, this variant has been classified as Pathogenic. This variant has not been reported in the literature in individuals affected with CASP8-related conditions. This variant is not present in population databases (gnomAD no frequency). This sequence change creates a premature translational stop signal (p.Val128Glyfs*26) in the CASP8 gene. It is expected to result in an absent or disrupted protein product. Loss-of-function variants in CASP8 are known to be pathogenic (PMID: 12353035, 25814141).

Literature cited by the submitters: PubMed 12353035; PubMed 25814141.

NM_001372051.1(CASP8):c.306-1930dup

Gene: CASP8 (caspase 8; plus strand). Cytogenetic location: 2q33.1.
Variant type: Duplication.
Coding change: c.306-1930dup on transcript NM_001372051.1 (MANE Select); 1930 bases into the intron before coding-DNA position 306, one base duplicated (G; older notation c.306-1930dupG).
Molecular consequence: intron variant. On other transcripts: frameshift variant (1).
Genome position (GRCh38, 1-based): chr2:201,269,586, G duplicated; the last of 3 consecutive G bases (chr2:201,269,584-201,269,586); duplicating any one gives the same sequence. VCF-style (leftmost placement, unchanged base first): chr2-201269583-A-AG. GRCh37 (hg19) VCF-style: chr2-202134306-A-AG.
Other names: c.382dup, p.Val128fs (NM_001228.5); c.306-1930dup (NM_001400651.1, NM_001400663.1, NM_001400657.1 and 20 more transcripts); c.-227-1930dup (NM_001400677.1, NM_001400750.1, NM_001400751.1 and 6 more transcripts); c.-4-1930dup (NM_001400669.1); c.-306-1930dup (NM_001400680.1); c.483-1930dup (NM_001080125.2, NM_001400642.1, NM_001400665.1); c.-408-1930dup (NM_001400674.1); short protein forms V128fs.
Identifiers: ClinVar variation 1935186 (VCV001935186.5), dbSNP rs2470005907, ClinGen allele CA2580065422.